The following is an entry in ClinVar:

ClinVar aggregate classification (germline): Uncertain significance. Review status: criteria provided, multiple submitters, no conflicts (2 of 4 stars). 2 submissions from 2 submitters: Uncertain significance (2). Last evaluated 2023-10-08.

Conditions:
Episodic ataxia type 2 (EA2). Also called: CEREBELLAR ATAXIA, PAROXYSMAL, ACETAZOLAMIDE-RESPONSIVE; CEREBELLOPATHY, HEREDITARY PAROXYSMAL; EPISODIC ATAXIA, NYSTAGMUS-ASSOCIATED; ACETAZOLAMIDE-RESPONSIVE HEREDITARY PAROXYSMAL CEREBELLAR ATAXIA; ATAXIA, EPISODIC, WITH NYSTAGMUS; ATAXIA, FAMILIAL PAROXYSMAL. Identifiers: Orphanet 97, MedGen C1720416, MONDO:0007163, OMIM 108500.
Developmental and epileptic encephalopathy, 42 (DEE42A). Also called: Epileptic encephalopathy, early infantile, 42; DEVELOPMENTAL AND EPILEPTIC ENCEPHALOPATHY 42A; EPILEPTIC ENCEPHALOPATHY, EARLY INFANTILE, 42A. Identifiers: MedGen C4310716, MONDO:0014917, OMIM 617106.

gnomAD v4.1: 20 of 1,610,146 alleles (0.0012%); highest among the groups gnomAD compares: Non-Finnish European, 0.0017%; no homozygotes.

Submissions (2):

GeneDx
Classification: Uncertain significance. Last evaluated: 2023-10-08. Review status: criteria provided, single submitter. Criteria: GeneDx Variant Classification Process June 2021. Collection method: clinical testing. Allele origin: germline. Affected: yes.
Comment: Has not been previously published as pathogenic or benign to our knowledge; Not observed at significant frequency in large population cohorts (gnomAD); In silico analysis supports that this missense variant has a deleterious effect on protein structure/function

Labcorp Genetics (formerly Invitae), Labcorp
Classification: Uncertain significance for Developmental and epileptic encephalopathy, 42; Episodic ataxia type 2. Last evaluated: 2023-05-20. Review status: criteria provided, single submitter. Criteria: Invitae Variant Classification Sherloc (09022015). Collection method: clinical testing. Allele origin: germline.
Comment: In summary, the available evidence is currently insufficient to determine the role of this variant in disease. Therefore, it has been classified as a Variant of Uncertain Significance. Advanced modeling of protein sequence and biophysical properties (such as structural, functional, and spatial information, amino acid conservation, physicochemical variation, residue mobility, and thermodynamic stability) performed at Invitae indicates that this missense variant is not expected to disrupt CACNA1A protein function. This variant has not been reported in the literature in individuals affected with CACNA1A-related conditions. This variant is not present in population databases (gnomAD no frequency). This sequence change replaces alanine, which is neutral and non-polar, with aspartic acid, which is acidic and polar, at codon 1976 of the CACNA1A protein (p.Ala1976Asp).

NM_001127222.2(CACNA1A):c.5924C>A (p.Ala1975Asp)

Gene: CACNA1A (calcium voltage-gated channel subunit alpha1 A; minus strand). Cytogenetic location: 19p13.13.
Variant type: single nucleotide variant.
Coding change: c.5924C>A on transcript NM_001127222.2 (MANE Select); coding-DNA position 5924, C replaced by A.
Protein change: p.Ala1975Asp; replaces alanine 1975 with aspartic acid.
Molecular consequence: missense variant.
Genome position (GRCh38, 1-based): chr19:13,214,249, G>T on the plus strand (C>A on the coding strand, the complement: CACNA1A is on the minus strand). VCF-style: chr19-13214249-G-T. GRCh37 (hg19) VCF-style: chr19-13325063-G-T.
Other names: c.5942C>A, p.Ala1981Asp (NM_000068.4, NM_023035.3); c.5927C>A, p.Ala1976Asp (NM_001127221.2); c.5933C>A, p.Ala1978Asp (NM_001174080.2); short protein forms A1981D, A1975D, A1978D, A1976D.
Identifiers: ClinVar variation 2947984 (VCV002947984.4), dbSNP rs1476517247, ClinGen allele CA404333964.
Genomic context (GRCh38, chr19:13,214,249, plus strand): 5'-CACTGTCCCCAGCCCAGATGTCCCCAGAGCGGCGAACAGCGCACCTGCTCCTCGCGCATG[G>T]CCTGCAGCTTCTTGGCCTTGCTCTGCCGGTAGTACTCCATGATCATCATGGCTGCGTAGA-3'
Protein context (NP_001120694.1, residues 1965-1985): YRQSKAKKLQ[Ala1975Asp]MREEQDRTPL